The following is an entry in ClinVar:

ClinVar aggregate classification (germline): Uncertain significance (1 of 4 stars; one submission).

Submission:

GeneDx
Classification: Uncertain significance. Last evaluated: 2023-10-16. Review status: criteria provided, single submitter. Criteria: GeneDx Variant Classification Process June 2021. Collection method: clinical testing. Allele origin: germline. Affected: yes.
Comment: Not observed in large population cohorts (gnomAD); In silico analysis, which includes protein predictors and evolutionary conservation, supports that this variant does not alter protein structure/function; Has not been previously published as pathogenic or benign to our knowledge

NM_004046.6(ATP5F1A):c.1162A>G (p.Ile388Val)

Gene: ATP5F1A (ATP synthase F1 subunit alpha; minus strand). Cytogenetic location: 18q21.1.
Variant type: single nucleotide variant.
Coding change: c.1162A>G on transcript NM_004046.6 (MANE Select); coding-DNA position 1162, A replaced by G.
Protein change: p.Ile388Val; replaces isoleucine 388 with valine.
Molecular consequence: missense variant.
Genome position (GRCh38, 1-based): chr18:46,087,022, T>C on the plus strand (A>G on the coding strand, the complement: ATP5F1A is on the minus strand). VCF-style: chr18-46087022-T-C. GRCh37 (hg19) VCF-style: chr18-43666988-T-C.
Other names: c.1012A>G, p.Ile338Val (NM_001001935.3, NM_001257335.2); c.1162A>G, p.Ile388Val (NM_001001937.2); c.1096A>G, p.Ile366Val (NM_001257334.2); short protein forms I338V, I366V, I388V.
Identifiers: ClinVar variation 1320400 (VCV001320400.3), dbSNP rs2144178017, ClinGen allele CA402354520.
Genomic context (GRCh38, chr18:46,087,022, plus strand): 5'-TTATCCAAATCTTTTTTAACATTTCTTTTAATCATTAAAATAATACCTGTCCGTCAGTGA[T>C]GGAAATGACATTTGTTGGAATGTAAGCAGACACATCACCAGCCTGTGTTTCTATGACTGG-3'
Protein context (NP_004037.1, residues 378-398): SAYIPTNVIS[Ile388Val]TDGQIFLETE